The following is an entry in ClinVar:

NM_000916.4(OXTR):c.712G>A (p.Ala238Thr)

Gene: OXTR (oxytocin receptor; minus strand). Cytogenetic location: 3p25.3.
Variant type: single nucleotide variant.
Coding change: c.712G>A on transcript NM_000916.4 (MANE Select); coding-DNA position 712, G replaced by A.
Protein change: p.Ala238Thr; replaces alanine 238 with threonine.
Molecular consequence: missense variant.
Genome position (GRCh38, 1-based): chr3:8,767,476, C>T on the plus strand (G>A on the coding strand, the complement: OXTR is on the minus strand). VCF-style: chr3-8767476-C-T. GRCh37 (hg19) VCF-style: chr3-8809162-C-T.
Other names: c.712G>A, p.Ala238Thr (NM_001354653.2, NM_001354654.2, NM_001354655.2 and 1 more transcripts); short protein forms A238T.
Identifiers: ClinVar variation 3037365 (VCV003037365.2), dbSNP rs61740241, ClinGen allele CA2236533.
Genomic context (GRCh38, chr3:8,767,476, plus strand): 5'-CCAGGGCCACGCGCCCCCCATCGCCAGCCGCCGCGCCCTCTGGCGCCTCGGCCGCCGCCG[C>T]TGCAGCGGTCTTGAGCCGCAAGTTCTGCCAGATCTTGAAGCTGATAAGGCCGTAGCAGGC-3'
Protein context (NP_000907.2, residues 228-248): WQNLRLKTAA[Ala238Thr]AAAEAPEGAA

ClinVar aggregate classification (germline): Benign (0 of 4 stars; one submission).

Conditions:
OXTR-related disorder. Also called: OXTR-related condition.

Allele frequency attached by ClinVar (database versions not stated): 1000 Genomes Project 30x 0.00906; 1000 Genomes Project 0.00978; gnomAD 0.01947; ESP Exome Variant Server 0.01997; TOPMed 0.02123; ExAC 0.02325; gnomAD exomes 0.02802.
gnomAD v4.1: 43,320 of 1,604,954 alleles (2.7%); highest among the groups gnomAD compares: Non-Finnish European, 3.3%; 697 homozygotes.

Submission:

PreventionGenetics, part of Exact Sciences
Classification: Benign for OXTR-related condition. Last evaluated: 2020-02-11. Review status: no assertion criteria provided. Collection method: clinical testing. Allele origin: germline.
Comment: This variant is classified as benign based on ACMG/AMP sequence variant interpretation guidelines (Richards et al. 2015 PMID: 25741868, with internal and published modifications).